The following is an entry in ClinVar:

NM_007272.3(CTRC):c.455A>C (p.Asp152Ala)

Gene: CTRC (chymotrypsin C; plus strand). Cytogenetic location: 1p36.21.
Variant type: single nucleotide variant.
Coding change: c.455A>C on transcript NM_007272.3 (MANE Select); coding-DNA position 455, A replaced by C.
Protein change: p.Asp152Ala; replaces aspartic acid 152 with alanine.
Molecular consequence: missense variant.
Genome position (GRCh38, 1-based): chr1:15,443,517, A>C. VCF-style: chr1-15443517-A-C. GRCh37 (hg19) VCF-style: chr1-15770012-A-C.
Other names: short protein forms D152A.
Identifiers: ClinVar variation 1741474 (VCV001741474.3), dbSNP rs2526297345, ClinGen allele CA338566226.

ClinVar aggregate classification (germline): Uncertain significance (1 of 4 stars; one submission).

Conditions:
Hereditary pancreatitis (PCTT). Also called: Hereditary chronic pancreatitis; PRSS1-Related Hereditary Pancreatitis. Identifiers: Orphanet 676, MedGen C0238339, MONDO:0008185, OMIM 167800.

Submission:

Ambry Genetics
Classification: Uncertain significance for Hereditary pancreatitis. Last evaluated: 2025-10-10. Review status: criteria provided, single submitter. Criteria: Ambry Variant Classification Scheme 2023. Collection method: clinical testing. Allele origin: germline.
Comment: The p.D152A variant (also known as c.455A>C), located in coding exon 5 of the CTRC gene, results from an A to C substitution at nucleotide position 455. The aspartic acid at codon 152 is replaced by alanine, an amino acid with dissimilar properties. This amino acid position is conserved. In addition, this alteration is predicted to be tolerated by in silico analysis. Since supporting evidence is limited at this time, the clinical significance of this alteration remains unclear.